The following is an entry in ClinVar:

NM_001145358.2(SIN3A):c.3140A>G (p.Glu1047Gly)

Gene: SIN3A (SIN3 transcription regulator family member A; minus strand). Cytogenetic location: 15q24.2.
Variant type: single nucleotide variant.
Coding change: c.3140A>G on transcript NM_001145358.2 (MANE Select); coding-DNA position 3140, A replaced by G.
Protein change: p.Glu1047Gly; replaces glutamic acid 1047 with glycine.
Molecular consequence: missense variant.
Genome position (GRCh38, 1-based): chr15:75,384,319, T>C on the plus strand (A>G on the coding strand, the complement: SIN3A is on the minus strand). VCF-style: chr15-75384319-T-C. GRCh37 (hg19) VCF-style: chr15-75676660-T-C.
Other names: c.3140A>G, p.Glu1047Gly (NM_001145357.2, NM_015477.3); short protein forms E1047G.
Identifiers: ClinVar variation 3903025 (VCV003903025.2).

ClinVar aggregate classification (germline): Uncertain significance (1 of 4 stars; one submission).

Submission:

GeneDx
Classification: Uncertain significance. Last evaluated: 2025-08-21. Review status: criteria provided, single submitter. Criteria: GeneDx Variant Classification Process June 2021. Collection method: clinical testing. Allele origin: germline.
Comment: Not observed at significant frequency in large population cohorts (gnomAD); In silico analysis supports that this missense variant has a deleterious effect on protein structure/function; Has not been previously published as pathogenic or benign to our knowledge